The following is an entry in ClinVar:

NM_013382.7(POMT2):c.2159del (p.Phe720fs)

Gene: POMT2 (protein O-mannosyltransferase 2; minus strand). Cytogenetic location: 14q24.3.
Variant type: Deletion.
Coding change: c.2159del on transcript NM_013382.7 (MANE Select); coding-DNA position 2159, one base deleted (T; older notation c.2159delT).
Protein change: p.Phe720fs; shifts the reading frame from phenylalanine 720.
Molecular consequence: frameshift variant.
Genome position (GRCh38, 1-based): chr14:77,277,470, A deleted on the plus strand (T on the coding strand, the reverse complement: POMT2 is on the minus strand); the first of 2 consecutive A bases (chr14:77,277,470-77,277,471); deleting either gives the same sequence. VCF-style (leftmost placement, unchanged base first): chr14-77277469-GA-G. GRCh37 (hg19) VCF-style: chr14-77743812-GA-G.
Other names: short protein forms F720fs.
Identifiers: ClinVar variation 1516305 (VCV001516305.9), dbSNP rs1890013661, ClinGen allele CA964934147.

ClinVar aggregate classification (germline): Likely pathogenic. Review status: criteria provided, multiple submitters, no conflicts (2 of 4 stars). 2 submissions from 2 submitters: Likely pathogenic (2). Last evaluated 2023-03-28.

Conditions:
Muscular dystrophy-dystroglycanopathy (congenital with impaired intellectual development), type B, 2. Also called: Muscular dystrophy-dystroglycanopathy (congenital with intellectual disability), type B2; MUSCULAR DYSTROPHY, CONGENITAL, POMT2-RELATED. Identifiers: MedGen C3150416, MONDO:0013160, OMIM 613156.
Autosomal recessive limb-girdle muscular dystrophy type 2N. Also called: MUSCULAR DYSTROPHY-DYSTROGLYCANOPATHY, LIMB-GIRDLE, POMT2-RELATED; Muscular dystrophy-dystroglycanopathy (limb-girdle), type C, 2. Identifiers: Orphanet 206559, MedGen C3150418, MONDO:0013162, OMIM 613158.
Muscular dystrophy-dystroglycanopathy (congenital with brain and eye anomalies), type A2. Also called: MUSCULAR DYSTROPHY-DYSTROGLYCANOPATHY (CONGENITAL WITH BRAIN AND EYE ANOMALIES), TYPE A, 2; WALKER-WARBURG SYNDROME OR MUSCLE-EYE-BRAIN DISEASE, POMT2-RELATED. Identifiers: Orphanet 588, Orphanet 899, MedGen C3150411, MONDO:0013154, OMIM 613150.
Muscular dystrophy-dystroglycanopathy (congenital with brain and eye anomalies), type A1 (MDDGA1). Also called: COD-MD SYNDROME; Muscular dystrophy-dystroglycanopathy (congenital with brain and eye anomalies), type A, 1; WALKER-WARBURG SYNDROME OR MUSCLE-EYE-BRAIN DISEASE, POMT1-RELATED; Hydrocephalus, agyria and retinal dysplasia; Hard +/- E syndrome; Warburg syndrome. Identifiers: Orphanet 588, Orphanet 899, MedGen C4284790, MONDO:0009364, OMIM 236670.

Submissions (2):

Department of Pathology and Laboratory Medicine, Sinai Health System
Classification: Likely pathogenic for Autosomal recessive limb-girdle muscular dystrophy type 2N; Muscular dystrophy-dystroglycanopathy (congenital with impaired intellectual development), type B, 2; Muscular dystrophy-dystroglycanopathy (congenital with brain and eye anomalies), type A1; Muscular dystrophy-dystroglycanopathy (congenital with brain and eye anomalies), type A2. Last evaluated: 2023-03-28. Review status: criteria provided, single submitter. Criteria: ACMG Guidelines, 2015. Collection method: research. Allele origin: germline.

Labcorp Genetics (formerly Invitae), Labcorp
Classification: Likely pathogenic for Muscular dystrophy-dystroglycanopathy (congenital with impaired intellectual development), type B, 2; Muscular dystrophy-dystroglycanopathy (congenital with brain and eye anomalies), type A2; Autosomal recessive limb-girdle muscular dystrophy type 2N. Last evaluated: 2022-03-18. Review status: criteria provided, single submitter. Criteria: Invitae Variant Classification Sherloc (09022015). Collection method: clinical testing. Allele origin: germline.
Comment: This premature translational stop signal has been observed in individual(s) with clinical features of muscular dystrophy-dystroglycanopathy (PMID: 22323514). In at least one individual the data is consistent with being in trans (on the opposite chromosome) from a pathogenic variant. This variant disrupts a region of the POMT2 protein in which other variant(s) (p.Trp748Arg) have been observed in individuals with POMT2-related conditions (PMID: 17634419, 17869517). This suggests that this is a clinically significant region of the protein, and that variants that disrupt it are likely to be disease-causing. In summary, the currently available evidence indicates that the variant is pathogenic, but additional data are needed to prove that conclusively. Therefore, this variant has been classified as Likely Pathogenic. This variant is not present in population databases (gnomAD no frequency). This sequence change creates a premature translational stop signal (p.Phe720Serfs*23) in the POMT2 gene. While this is not anticipated to result in nonsense mediated decay, it is expected to disrupt the last 31 amino acid(s) of the POMT2 protein.

Literature cited by the submitters: PubMed 22323514 (cited by Labcorp Genetics (formerly Invitae), Labcorp); PubMed 17634419 (cited by Labcorp Genetics (formerly Invitae), Labcorp); PubMed 17869517 (cited by Labcorp Genetics (formerly Invitae), Labcorp).